The following is an entry in ClinVar:

NM_000436.4(OXCT1):c.644C>T (p.Ala215Val)

Gene: OXCT1 (3-oxoacid CoA-transferase 1; minus strand). Cytogenetic location: 5p13.1.
Variant type: single nucleotide variant.
Coding change: c.644C>T on transcript NM_000436.4 (MANE Select); coding-DNA position 644, C replaced by T.
Protein change: p.Ala215Val; replaces alanine 215 with valine.
Molecular consequence: missense variant. On other transcripts: non-coding transcript variant (1).
Genome position (GRCh38, 1-based): chr5:41,842,702, G>A on the plus strand (C>T on the coding strand, the complement: OXCT1 is on the minus strand). VCF-style: chr5-41842702-G-A. GRCh37 (hg19) VCF-style: chr5-41842804-G-A.
Other names: c.665C>T, p.Ala222Val (NM_001364299.2, NM_001364300.2); c.644C>T, p.Ala215Val (NM_001364301.2, NM_001364302.2); c.86C>T, p.Ala29Val (NM_001364303.2); short protein forms A215V, A29V, A222V.
Identifiers: ClinVar variation 960469 (VCV000960469.10), dbSNP rs201752548, ClinGen allele CA3253549.

ClinVar aggregate classification (germline): Uncertain significance (1 of 4 stars; one submission).

Conditions:
Succinyl-CoA acetoacetate transferase deficiency (SCOTD). Also called: 3-Oxoacid CoA Transferase Deficiency; SCOT DEFICIENCY; SUCCINYL-CoA:3-KETOACID CoA-TRANSFERASE DEFICIENCY; KETOACIDOSIS DUE TO SCOT DEFICIENCY; Succinyl CoA:3-oxoacid CoA transferase deficiency. Identifiers: Orphanet 832, MedGen C0342792, MONDO:0009492, OMIM 245050.

Allele frequency attached by ClinVar (database versions not stated): TOPMed below 0.00001; ExAC 0.00001; gnomAD 0.00001; gnomAD exomes 0.00001 and 0.00002; 1000 Genomes Project 30x 0.00016; 1000 Genomes Project 0.00020.
gnomAD v4.1: 9 of 1,613,278 alleles (0.00056%); highest among the groups gnomAD compares: East Asian, 0.0022%; no homozygotes.

Submission:

Labcorp Genetics (formerly Invitae), Labcorp
Classification: Uncertain significance for Succinyl-CoA acetoacetate transferase deficiency. Last evaluated: 2023-07-07. Review status: criteria provided, single submitter. Criteria: Invitae Variant Classification Sherloc (09022015). Collection method: clinical testing. Allele origin: germline.
Comment: This sequence change replaces alanine, which is neutral and non-polar, with valine, which is neutral and non-polar, at codon 215 of the OXCT1 protein (p.Ala215Val). This variant is present in population databases (rs201752548, gnomAD 0.006%). In summary, the available evidence is currently insufficient to determine the role of this variant in disease. Therefore, it has been classified as a Variant of Uncertain Significance. Experimental studies have shown that this missense change affects OXCT1 function (PMID: 21296660). Advanced modeling of protein sequence and biophysical properties (such as structural, functional, and spatial information, amino acid conservation, physicochemical variation, residue mobility, and thermodynamic stability) performed at Invitae indicates that this missense variant is not expected to disrupt OXCT1 protein function. ClinVar contains an entry for this variant (Variation ID: 960469). This missense change has been observed in individual(s) with OXCT1-related conditions (PMID: 21296660).

Literature cited by the submitters: PubMed 21296660.